The following is an entry in ClinVar:

NM_001931.5(DLAT):c.934A>G (p.Thr312Ala)

Gene: DLAT (dihydrolipoamide S-acetyltransferase; plus strand). Cytogenetic location: 11q23.1.
Variant type: single nucleotide variant.
Coding change: c.934A>G on transcript NM_001931.5 (MANE Select); coding-DNA position 934, A replaced by G.
Protein change: p.Thr312Ala; replaces threonine 312 with alanine.
Molecular consequence: missense variant. On other transcripts: intron variant (2).
Genome position (GRCh38, 1-based): chr11:112,037,419, A>G. VCF-style: chr11-112037419-A-G. GRCh37 (hg19) VCF-style: chr11-111908143-A-G.
Other names: c.934A>G, p.Thr312Ala (NM_001372031.1, NM_001372032.1, NM_001372033.1 and 1 more transcripts); c.901A>G, p.Thr301Ala (NM_001372034.1); c.808A>G, p.Thr270Ala (NM_001372036.1); c.766A>G, p.Thr256Ala (NM_001372037.1); c.655A>G, p.Thr219Ala (NM_001372038.1); c.553A>G, p.Thr185Ala (NM_001372040.1); c.472A>G, p.Thr158Ala (NM_001372042.1); c.661-1825A>G (NM_001372039.1, NM_001372041.1); short protein forms T219A, T301A, T185A, T270A, T158A, T256A, T312A.
Identifiers: ClinVar variation 2043362 (VCV002043362.4), dbSNP rs2498493569, ClinGen allele CA382608550.

ClinVar aggregate classification (germline): Uncertain significance (1 of 4 stars; one submission).

Conditions:
Pyruvate dehydrogenase E2 deficiency (PDHDD). Also called: LACTIC ACIDEMIA DUE TO DEFECT OF E2 LIPOYL TRANSACETYLASE OF THE PYRUVATE DEHYDROGENASE COMPLEX; Dihydrolipoamide Acetyltransferase (E2) Deficiency. Identifiers: Orphanet 765, Orphanet 79244, MedGen C1855565, MONDO:0009502, OMIM 245348.

Submission:

Labcorp Genetics (formerly Invitae), Labcorp
Classification: Uncertain significance for Pyruvate dehydrogenase E2 deficiency. Last evaluated: 2021-12-15. Review status: criteria provided, single submitter. Criteria: Invitae Variant Classification Sherloc (09022015). Collection method: clinical testing. Allele origin: germline.
Comment: This sequence change replaces threonine, which is neutral and polar, with alanine, which is neutral and non-polar, at codon 312 of the DLAT protein (p.Thr312Ala). This variant is not present in population databases (gnomAD no frequency). This variant has not been reported in the literature in individuals affected with DLAT-related conditions. Advanced modeling of protein sequence and biophysical properties (such as structural, functional, and spatial information, amino acid conservation, physicochemical variation, residue mobility, and thermodynamic stability) performed at Invitae indicates that this missense variant is not expected to disrupt DLAT protein function. In summary, the available evidence is currently insufficient to determine the role of this variant in disease. Therefore, it has been classified as a Variant of Uncertain Significance.